The following is an entry in ClinVar:

NM_012418.4(FSCN2):c.1022G>A (p.Arg341Gln)

Gene: FSCN2 (fascin actin-bundling protein 2, retinal; plus strand). Cytogenetic location: 17q25.3.
Variant type: single nucleotide variant.
Coding change: c.1022G>A on transcript NM_012418.4 (MANE Select); coding-DNA position 1022, G replaced by A.
Protein change: p.Arg341Gln; replaces arginine 341 with glutamine.
Molecular consequence: missense variant.
Genome position (GRCh38, 1-based): chr17:81,536,184, G>A. VCF-style: chr17-81536184-G-A. GRCh37 (hg19) VCF-style: chr17-79503210-G-A.
Other names: c.1022G>A, p.Arg341Gln (NM_001077182.3); short protein forms R341Q.
Identifiers: ClinVar variation 1363857 (VCV001363857.9), dbSNP rs761626389, ClinGen allele CA8836929.
Genomic context (GRCh38, chr17:81,536,184, plus strand): 5'-GACCTTTTGCTGCTCCCTCCAGTTCTGCCAACACCATGTTTGAGATGGAGTGGCGTGGCC[G>A]GCGGGTAGCACTCAAAGCCAGCAACGGGCGCTACGTGTGCATGAAGAAGAATGGGCAGCT-3'
Protein context (NP_036550.1, residues 331-351): NTMFEMEWRG[Arg341Gln]RVALKASNGR

ClinVar aggregate classification (germline): Uncertain significance. Review status: criteria provided, multiple submitters, no conflicts (2 of 4 stars). 2 submissions from 2 submitters: Uncertain significance (2). Last evaluated 2024-12-02.

Allele frequency attached by ClinVar (database versions not stated): TOPMed below 0.00001; gnomAD 0.00001; gnomAD exomes 0.00001 and 0.00002; ExAC 0.00007.
gnomAD v4.1: 16 of 1,601,576 alleles (0.001%); highest among the groups gnomAD compares: South Asian, 0.0056%; no homozygotes.

Submissions (2):

Labcorp Genetics (formerly Invitae), Labcorp
Classification: Uncertain significance. Last evaluated: 2024-12-02. Review status: criteria provided, single submitter. Criteria: Invitae Variant Classification Sherloc (09022015). Collection method: clinical testing. Allele origin: germline.
Comment: This sequence change replaces arginine, which is basic and polar, with glutamine, which is neutral and polar, at codon 341 of the FSCN2 protein (p.Arg341Gln). The frequency data for this variant in the population databases is considered unreliable, as metrics indicate poor data quality at this position in the gnomAD database. This variant has not been reported in the literature in individuals affected with FSCN2-related conditions. ClinVar contains an entry for this variant (Variation ID: 1363857). An algorithm developed to predict the effect of missense changes on protein structure and function (PolyPhen-2) suggests that this variant is likely to be disruptive. In summary, the available evidence is currently insufficient to determine the role of this variant in disease. Therefore, it has been classified as a Variant of Uncertain Significance.

Breakthrough Genomics
Classification: Uncertain significance. Review status: criteria provided, single submitter. Criteria: ACMG Guidelines, 2015. Collection method: not provided. Allele origin: germline. Inheritance: Unknown mechanism. Affected: yes.